The following is an entry in ClinVar:

NM_000492.4(CFTR):c.869A>G (p.Gln290Arg)

Gene: CFTR (CF transmembrane conductance regulator; plus strand). Cytogenetic location: 7q31.2.
Variant type: single nucleotide variant.
Coding change: c.869A>G on transcript NM_000492.4 (MANE Select); coding-DNA position 869, A replaced by G.
Protein change: p.Gln290Arg; replaces glutamine 290 with arginine.
Molecular consequence: missense variant.
Genome position (GRCh38, 1-based): chr7:117,536,673, A>G. VCF-style: chr7-117536673-A-G. GRCh37 (hg19) VCF-style: chr7-117176727-A-G.
Other names: short protein forms Q290R.
Identifiers: ClinVar variation 3061390 (VCV003061390.2), dbSNP rs1301772800, ClinGen allele CA368977591.
Genomic context (GRCh38, chr7:117,536,673, plus strand): 5'-AATCTGTTAAGGCATACTGCTGGGAAGAAGCAATGGAAAAAATGATTGAAAACTTAAGAC[A>G]GTAAGTTGTTCCAATAATTTCAATATTGTTAGTAATTCTGTCCTTAATTTTTTAAAAATA-3'
Protein context (NP_000483.3, residues 280-300): AMEKMIENLR[Gln290Arg]TELKLTRKAA

ClinVar aggregate classification (germline): Uncertain significance (0 of 4 stars; one submission).

Conditions:
CFTR-related disorder (CFTR-RD). Also called: CFTR-related condition; CFTR-related disorders. Identifiers: MedGen C5924204, MONDO:7770004.

Allele frequency attached by ClinVar (database versions not stated): gnomAD exomes below 0.00001.
gnomAD v4.1: 1 of 1,609,616 alleles (0.000062%); highest among the groups gnomAD compares: Admixed American, 0.0017%; no homozygotes.

Submission:

PreventionGenetics, part of Exact Sciences
Classification: Uncertain significance for CFTR-related condition. Last evaluated: 2024-02-12. Review status: no assertion criteria provided. Collection method: clinical testing. Allele origin: germline.
Comment: The CFTR c.869A>G variant is predicted to result in the amino acid substitution p.Gln290Arg. To our knowledge, this variant has not been reported in the literature. This variant is reported in 0.0029% of alleles in individuals of Latino descent in gnomAD. At this time, the clinical significance of this variant is uncertain due to the absence of conclusive functional and genetic evidence.